The following is an entry in ClinVar:

ClinVar aggregate classification (germline): Uncertain significance (1 of 4 stars; one submission).

Conditions:
Cardiovascular phenotype. Identifiers: MedGen CN230736.

Submission:

Ambry Genetics
Classification: Uncertain significance for Cardiovascular phenotype. Last evaluated: 2025-04-22. Review status: criteria provided, single submitter. Criteria: Ambry Variant Classification Scheme 2023. Collection method: clinical testing. Allele origin: germline.
Comment: The c.627_644del18 variant (also known as p.P210_G215del) is located in coding exon 1 of the ZNF469 gene. This variant results from an in-frame deletion of 18 nucleotides (GCCCCCCCAGAGCAGGGG) at positions 627 to 644. This results in the in-frame deletion of six amino acids (PPQSRG) at codons 210 to 215. This amino acid region is not well conserved in available vertebrate species. In addition, this alteration is predicted to be deleterious by in silico analysis (Choi Y et al. PLoS ONE. 2012; 7(10):e46688). Based on data from gnomAD, this variant has an overall frequency of 0.001% (2/146004) total alleles studied. The highest observed frequency was 0.003% (2/53712) of European (non-Finnish) alleles. Since supporting evidence is limited at this time, the clinical significance of this alteration remains unclear.

NM_001367624.2(ZNF469):c.627_644del (p.Pro210_Gly215del)

Gene: ZNF469 (zinc finger protein 469; plus strand). Cytogenetic location: 16q24.2.
Variant type: Deletion.
Coding change: c.627_644del on transcript NM_001367624.2 (MANE Select); coding-DNA positions 627 to 644, 18 bases deleted (GCCCCCCCAGAGCAGGGG).
Protein change: p.Pro210_Gly215del.
Genome position (GRCh38, 1-based): chr16:88,428,097-88,428,114, GCCCCCCCAGAGCAGGGG deleted; deleting any 18 consecutive bases within chr16:88,428,094-88,428,114 gives the same sequence; the c. name uses the placement nearest the transcript's 3' end. VCF-style (leftmost placement, unchanged base first): chr16-88428093-CGGGGCCCCCCCAGAGCAG-C. GRCh37 (hg19) VCF-style: chr16-88494501-CGGGGCCCCCCCAGAGCAG-C.
Other names: NM_001127464.1:c.627_644del18.
Identifiers: ClinVar variation 3987327 (VCV003987327.1).